The following is an entry in ClinVar:

ClinVar aggregate classification (germline): Benign (1 of 4 stars; one submission).

Allele frequency attached by ClinVar (database versions not stated): 1000 Genomes Project 0.54596; TOPMed 0.57487 and 0.58397; gnomAD 0.59290.

Submission:

GeneDx
Classification: Benign. Last evaluated: 2018-06-14. Review status: criteria provided, single submitter. Criteria: GeneDx Variant Classification (06012015). Collection method: clinical testing. Allele origin: germline. Affected: yes.
Comment: This variant is considered likely benign or benign based on one or more of the following criteria: it is a conservative change, it occurs at a poorly conserved position in the protein, it is predicted to be benign by multiple in silico algorithms, and/or has population frequency not consistent with disease.

NM_001079855.2(GYG2):c.615-324A>G

Gene: GYG2 (glycogenin 2; plus strand). Cytogenetic location: Xp22.33.
Variant type: single nucleotide variant.
Coding change: c.615-324A>G on transcript NM_001079855.2 (MANE Select); 324 bases into the intron before coding-DNA position 615, A replaced by G.
Molecular consequence: intron variant.
Genome position (GRCh38, 1-based): chrX:2,859,519, A>G. VCF-style: chrX-2859519-A-G. GRCh37 (hg19) VCF-style: chrX-2777560-A-G.
Other names: c.708-324A>G (NM_003918.3, NM_001184703.2); c.615-324A>G (NM_001184702.2); c.150-324A>G (NM_001184704.2).
Identifiers: ClinVar variation 684124 (VCV000684124.1), dbSNP rs11152550, ClinGen allele CA15043467.